The following is an entry in ClinVar:

NM_017882.3(CLN6):c.424dup (p.Tyr142fs)

Gene: CLN6 (CLN6 transmembrane ER protein; minus strand). Cytogenetic location: 15q23.
Variant type: Duplication.
Coding change: c.424dup on transcript NM_017882.3 (MANE Select); coding-DNA position 424, one base duplicated (T; older notation c.424dupT).
Protein change: p.Tyr142fs; shifts the reading frame from tyrosine 142.
Molecular consequence: frameshift variant.
Genome position (GRCh38, 1-based): chr15:68,211,737, A duplicated on the plus strand (T on the coding strand, the reverse complement: CLN6 is on the minus strand). VCF-style (leftmost placement, unchanged base first): chr15-68211736-T-TA. GRCh37 (hg19) VCF-style: chr15-68504074-T-TA.
Other names: c.520dup, p.Tyr174fs (NM_001411068.1); short protein forms Y174fs, Y142fs.
Identifiers: ClinVar variation 2915493 (VCV002915493.3), dbSNP rs1215499352, ClinGen allele CA715171036.

ClinVar aggregate classification (germline): Pathogenic (1 of 4 stars; one submission).

Conditions:
Neuronal ceroid lipofuscinosis. Also called: Neuronal Ceroid Lipofuscinoses. Identifiers: Orphanet 216, Orphanet 79263, MedGen C0027877, MONDO:0016295. Disease mechanism: loss of function.

Allele frequency attached by ClinVar (database versions not stated): gnomAD exomes below 0.00001; TOPMed below 0.00001.

Submission:

Labcorp Genetics (formerly Invitae), Labcorp
Classification: Pathogenic for Neuronal ceroid lipofuscinosis. Last evaluated: 2025-09-03. Review status: criteria provided, single submitter. Criteria: Invitae Variant Classification Sherloc (09022015). Collection method: clinical testing. Allele origin: germline.
Comment: This sequence change creates a premature translational stop signal (p.Tyr142Leufs*9) in the CLN6 gene. It is expected to result in an absent or disrupted protein product. Loss-of-function variants in CLN6 are known to be pathogenic (PMID: 19135028). This variant is not present in population databases (gnomAD no frequency). This premature translational stop signal has been observed in individual(s) with CLN6-related conditions (PMID: 30561534). ClinVar contains an entry for this variant (Variation ID: 2915493). For these reasons, this variant has been classified as Pathogenic.

Literature cited by the submitters: PubMed 19135028; PubMed 30561534.